The following is an entry in ClinVar:

ClinVar aggregate classification (germline): Uncertain significance. Review status: criteria provided, multiple submitters, no conflicts (2 of 4 stars). 3 submissions from 3 submitters: Uncertain significance (2). 1 of the submissions does not count toward it. Last evaluated 2025-04-12.

Conditions:
Usher syndrome type 1 (USH1). Also called: RETINITIS PIGMENTOSA AND CONGENITAL DEAFNESS. Identifiers: Orphanet 231169, Orphanet 886, MedGen C1568247, MONDO:0010168, OMIM 276900.
Inborn genetic diseases. Identifiers: MedGen C0950123, MeSH D030342.

Allele frequency attached by ClinVar (database versions not stated): gnomAD 0.00001; gnomAD exomes below 0.00001 and 0.00001.
gnomAD v4.1: 6 of 1,613,754 alleles (0.00037%); highest among the groups gnomAD compares: Admixed American, 0.0083%; no homozygotes.

Submissions (3):

Ambry Genetics
Classification: Uncertain significance for Inborn genetic diseases. Last evaluated: 2025-04-12. Review status: criteria provided, single submitter. Criteria: Ambry Variant Classification Scheme 2023. Collection method: clinical testing. Allele origin: germline.

Labcorp Genetics (formerly Invitae), Labcorp
Classification: Uncertain significance. Last evaluated: 2021-08-31. Review status: criteria provided, single submitter. Criteria: Invitae Variant Classification Sherloc (09022015). Collection method: clinical testing. Allele origin: germline.
Comment: This sequence change replaces valine with methionine at codon 292 of the CDH23 protein (p.Val292Met). The valine residue is weakly conserved and there is a small physicochemical difference between valine and methionine. This variant is not present in population databases (ExAC no frequency). This variant has not been reported in the literature in individuals affected with CDH23-related conditions. Algorithms developed to predict the effect of missense changes on protein structure and function are either unavailable or do not agree on the potential impact of this missense change (SIFT: "Deleterious"; PolyPhen-2: "Not Available"; Align-GVGD: "Class C0"). In summary, the available evidence is currently insufficient to determine the role of this variant in disease. Therefore, it has been classified as a Variant of Uncertain Significance.

Natera, Inc.
Classification: Uncertain significance for Usher syndrome type 1. Last evaluated: 2020-04-09. Review status: no assertion criteria provided. Collection method: clinical testing. Allele origin: germline. Not counted in ClinVar's aggregate classification.

NM_022124.6(CDH23):c.874G>A (p.Val292Met)

Gene: CDH23 (cadherin related 23; plus strand). Cytogenetic location: 10q22.1.
Variant type: single nucleotide variant.
Coding change: c.874G>A on transcript NM_022124.6 (MANE Select); coding-DNA position 874, G replaced by A.
Protein change: p.Val292Met; replaces valine 292 with methionine.
Molecular consequence: missense variant.
Genome position (GRCh38, 1-based): chr10:71,615,545, G>A. VCF-style: chr10-71615545-G-A. GRCh37 (hg19) VCF-style: chr10-73375302-G-A.
Other names: c.874G>A, p.Val292Met (NM_001171930.2, NM_001171931.2, NM_001171932.2 and 1 more transcripts); short protein forms V292M.
Identifiers: ClinVar variation 953903 (VCV000953903.9), dbSNP rs1437430893, ClinGen allele CA377121406.